The following is an entry in ClinVar:

NM_001211.6(BUB1B):c.826G>C (p.Asp276His)

Gene: BUB1B (BUB1 mitotic checkpoint serine/threonine kinase B; plus strand). Cytogenetic location: 15q15.1.
Variant type: single nucleotide variant.
Coding change: c.826G>C on transcript NM_001211.6 (MANE Select); coding-DNA position 826, G replaced by C.
Protein change: p.Asp276His; replaces aspartic acid 276 with histidine.
Molecular consequence: missense variant.
Genome position (GRCh38, 1-based): chr15:40,185,239, G>C. VCF-style: chr15-40185239-G-C. GRCh37 (hg19) VCF-style: chr15-40477440-G-C.
Other names: short protein forms D276H.
Identifiers: ClinVar variation 4842705 (VCV004842705.1).
Genomic context (GRCh38, chr15:40,185,239, plus strand): 5'-AGAGGACTCCAAAATCCATTTCCTCAACAGATGCAAAATAATAGTAGAATTACTGTTTTT[G>C]ATGAAAATGCTGATGAGGCTTCTACAGCAGAGTTGTCTAAGCCTACAGTCCAGCCATGGA-3'
Protein context (NP_001202.5, residues 266-286): MQNNSRITVF[Asp276His]ENADEASTAE

ClinVar aggregate classification (germline): Uncertain significance (1 of 4 stars; one submission).

Conditions:
Inborn genetic diseases. Identifiers: MedGen C0950123, MeSH D030342.

Submission:

Ambry Genetics
Classification: Uncertain significance for Inborn genetic diseases. Last evaluated: 2025-12-28. Review status: criteria provided, single submitter. Criteria: Ambry Variant Classification Scheme 2023. Collection method: clinical testing. Allele origin: germline.
Comment: The p.D276H variant (also known as c.826G>C), located in coding exon 7 of the BUB1B gene, results from a G to C substitution at nucleotide position 826. The aspartic acid at codon 276 is replaced by histidine, an amino acid with similar properties. This amino acid position is conserved. In addition, the in silico prediction for this alteration is inconclusive. Based on the available evidence, the clinical significance of this variant remains unclear.